The following is an entry in ClinVar:

ClinVar aggregate classification (germline): Uncertain significance (1 of 4 stars; one submission).

Submission:

GeneDx
Classification: Uncertain significance. Last evaluated: 2021-03-16. Review status: criteria provided, single submitter. Criteria: GeneDx Variant Classification Process June 2021. Collection method: clinical testing. Allele origin: germline. Affected: yes.
Comment: Has not been previously published as pathogenic or benign to our knowledge; Not observed in large population cohorts (Lek et al., 2016); In silico analysis supports that this missense variant does not alter protein structure/function

NM_005120.3(MED12):c.5674T>G (p.Ser1892Ala)

Gene: MED12 (mediator complex subunit 12; plus strand). Cytogenetic location: Xq13.1.
Variant type: single nucleotide variant.
Coding change: c.5674T>G on transcript NM_005120.3 (MANE Select); coding-DNA position 5674, T replaced by G.
Protein change: p.Ser1892Ala; replaces serine 1892 with alanine.
Molecular consequence: missense variant.
Genome position (GRCh38, 1-based): chrX:71,137,309, T>G. VCF-style: chrX-71137309-T-G. GRCh37 (hg19) VCF-style: chrX-70357159-T-G.
Other names: short protein forms S1892A.
Identifiers: ClinVar variation 1314194 (VCV001314194.2), dbSNP rs2147829347, ClinGen allele CA413537174.